The following is an entry in ClinVar:

ClinVar aggregate classification (germline): Uncertain significance (1 of 4 stars; one submission).

Conditions:
Hereditary cancer-predisposing syndrome. Also called: Neoplastic Syndromes, Hereditary; Tumor predisposition; Hereditary Cancer Syndrome; Hereditary neoplastic syndrome. Identifiers: Orphanet 140162, MedGen C0027672, MeSH D009386, MONDO:0015356.

Submission:

Ambry Genetics
Classification: Uncertain significance for Hereditary cancer-predisposing syndrome. Last evaluated: 2017-05-15. Review status: criteria provided, single submitter. Criteria: Ambry Variant Classification Scheme 2023. Collection method: clinical testing. Allele origin: germline.
Comment: The p.F447S variant (also known as c.1340T>C), located in coding exon 11 of the CHEK2 gene, results from a T to C substitution at nucleotide position 1340. The phenylalanine at codon 447 is replaced by serine, an amino acid with highly dissimilar properties. This amino acid position is not well conserved in available vertebrate species. In addition, this alteration is predicted to be tolerated by in silico analysis. Since supporting evidence is limited at this time, the clinical significance of this alteration remains unclear.

NM_007194.4(CHEK2):c.1340T>C (p.Phe447Ser)

Gene: CHEK2 (checkpoint kinase 2; minus strand). Cytogenetic location: 22q12.1.
Variant type: single nucleotide variant.
Coding change: c.1340T>C on transcript NM_007194.4 (MANE Select); coding-DNA position 1340, T replaced by C.
Protein change: p.Phe447Ser; replaces phenylalanine 447 with serine.
Molecular consequence: missense variant.
Genome position (GRCh38, 1-based): chr22:28,695,162, A>G on the plus strand (T>C on the coding strand, the complement: CHEK2 is on the minus strand). VCF-style: chr22-28695162-A-G. GRCh37 (hg19) VCF-style: chr22-29091150-A-G.
Other names: c.1469T>C, p.Phe490Ser (NM_001005735.3); c.677T>C, p.Phe226Ser (NM_001257387.3); c.1139T>C, p.Phe380Ser (NM_001349956.3); c.1253T>C, p.Phe418Ser (NM_145862.3); short protein forms F447S, F418S, F226S, F380S, F490S.
Identifiers: ClinVar variation 483388 (VCV000483388.5), dbSNP rs876660373, ClinGen allele CA411095691.
Genomic context (GRCh38, chr22:28,695,162, plus strand): 5'-ATTCTTAACCCTTTCATATTCATACCTTTCTCTGAGACTTCTGCCCAGACTTCAGGAATG[A>G]AGTTGTATTTTCCACTGGTGATCTGATCCTTCAGTGACACTTGAGTCCTATGCTCAGAGA-3'
Protein context (NP_009125.1, residues 437-457): KDQITSGKYN[Phe447Ser]IPEVWAEVSE